The following is an entry in ClinVar:

ClinVar aggregate classification (germline): Pathogenic (1 of 4 stars; one submission).

Conditions:
Familial cancer of breast. Also called: Hereditary breast cancer; hereditary breast carcinoma; BREAST CANCER, FAMILIAL. Identifiers: Orphanet 227535, MedGen C0346153, MONDO:0016419, OMIM 114480. Disease mechanism: loss of function.

Submission:

Labcorp Genetics (formerly Invitae), Labcorp
Classification: Pathogenic for Familial cancer of breast. Last evaluated: 2021-10-27. Review status: criteria provided, single submitter. Criteria: Invitae Variant Classification Sherloc (09022015). Collection method: clinical testing. Allele origin: germline.
Comment: This sequence change creates a premature translational stop signal (p.Ser1102Argfs*7) in the PALB2 gene. While this is not anticipated to result in nonsense mediated decay, it is expected to disrupt the last 85 amino acid(s) of the PALB2 protein. For these reasons, this variant has been classified as Pathogenic. This variant disrupts a region of the PALB2 protein in which other variant(s) (p.Tyr1183*) have been determined to be pathogenic (PMID: 17200668, 17200671, 21365267, 22241545, 26315354). This suggests that this is a clinically significant region of the protein, and that variants that disrupt it are likely to be disease-causing. This variant has not been reported in the literature in individuals affected with PALB2-related conditions. This variant is not present in population databases (gnomAD no frequency).

Literature cited by the submitters: PubMed 17200668; PubMed 17200671; PubMed 21365267; PubMed 22241545; PubMed 26315354.

NM_024675.4(PALB2):c.3305_3306insACGCTCAG (p.Ser1102fs)

Gene: PALB2 (partner and localizer of BRCA2; minus strand). Cytogenetic location: 16p12.2.
Variant type: Insertion.
Coding change: c.3305_3306insACGCTCAG on transcript NM_024675.4 (MANE Select); coding-DNA positions 3305 to 3306, ACGCTCAG inserted.
Protein change: p.Ser1102fs; shifts the reading frame from serine 1102.
Molecular consequence: frameshift variant.
Genome position: GRCh38 VCF-style: chr16-23607908-G-GCTGAGCGT. GRCh37 (hg19) VCF-style: chr16-23619229-G-GCTGAGCGT.
Other names: short protein forms S1102fs.
Identifiers: ClinVar variation 1455890 (VCV001455890.7), dbSNP rs2142272095, ClinGen allele CA2573152150.